The following is an entry in ClinVar:

NM_001148.6(ANK2):c.484-9T>G

Gene: ANK2 (ankyrin 2; plus strand). Cytogenetic location: 4q26.
Variant type: single nucleotide variant.
Coding change: c.484-9T>G on transcript NM_001148.6 (MANE Select); 9 bases into the intron before coding-DNA position 484, T replaced by G.
Molecular consequence: intron variant.
Genome position (GRCh38, 1-based): chr4:113,236,978, T>G. VCF-style: chr4-113236978-T-G. GRCh37 (hg19) VCF-style: chr4-114158134-T-G.
Other names: c.472-9T>G (NM_001386186.2, NM_001386148.2, NM_001354269.3 and 1 more transcripts); c.466-9T>G (NM_001386147.1, NM_001386160.1, NM_001354261.2); c.421-9T>G (NM_001354254.2, NM_001354239.2, NM_001354252.2 and 33 more transcripts); c.529-9T>G (NM_001354241.2, NM_001386152.1, NM_001354237.2 and 5 more transcripts); c.484-9T>G (NM_001354225.2, NM_001354235.2, NM_001354246.2 and 9 more transcripts); c.535-9T>G (NM_001386174.1, NM_001386175.1).
Identifiers: ClinVar variation 3359438 (VCV003359438.1).
Genomic context (GRCh38, chr4:113,236,978, plus strand): 5'-CATTGCTTAGAACTAAATCTCTAGCATCTGAAGATGTTAACAGACAATTTTTACCTTCCA[T>G]TTTACCAGGATGGCTTTACTCCTCTAGCTGTGGCACTCCAGCAAGGACACAACCAGGCGG-3'

ClinVar aggregate classification (germline): Uncertain significance (1 of 4 stars; one submission).

Submission:

GeneDx
Classification: Uncertain significance. Last evaluated: 2023-05-30. Review status: criteria provided, single submitter. Criteria: GeneDx Variant Classification Process June 2021. Collection method: clinical testing. Allele origin: germline. Affected: yes.
Comment: Not observed at significant frequency in large population cohorts (gnomAD); In silico analysis supports a deleterious effect on splicing; Has not been previously published as pathogenic or benign to our knowledge